The following is an entry in ClinVar:

NM_000135.4(FANCA):c.3087G>A (p.Glu1029=)

Gene: FANCA (FA complementation group A; minus strand). Cytogenetic location: 16q24.3.
Variant type: single nucleotide variant.
Coding change: c.3087G>A on transcript NM_000135.4 (MANE Select); coding-DNA position 3087, G replaced by A.
Protein change: p.Glu1029=; no amino-acid change (glutamic acid 1029 retained).
Molecular consequence: synonymous variant.
Genome position (GRCh38, 1-based): chr16:89,749,882, C>T on the plus strand (G>A on the coding strand, the complement: FANCA is on the minus strand). VCF-style: chr16-89749882-C-T. GRCh37 (hg19) VCF-style: chr16-89816290-C-T.
Other names: c.3087G>A, p.Glu1029= (NM_001286167.3); c.3087G>A (NM_000135.3).
Identifiers: ClinVar variation 697198 (VCV000697198.38), dbSNP rs35402142, ClinGen allele CA8251336.

ClinVar aggregate classification (germline): Likely benign. Review status: criteria provided, multiple submitters, no conflicts (2 of 4 stars). 6 submissions from 6 submitters: Likely benign (5). 1 of the submissions does not count toward it. Last evaluated 2025-07-01.

Conditions:
Fanconi anemia complementation group A (FANCA). Also called: Fanconi anemia, group A; FANCA-Related Fanconi Anemia. Identifiers: Orphanet 84, MedGen C3469521, MONDO:0009215, OMIM 227650.
Fanconi anemia (FA). Also called: Fanconi's anemia. Identifiers: Orphanet 84, MedGen C0015625, MeSH D005199, MONDO:0019391.
Inborn genetic diseases. Identifiers: MedGen C0950123, MeSH D030342.

Allele frequency attached by ClinVar (database versions not stated): gnomAD 0.00001; gnomAD exomes 0.00001 and 0.00002; ExAC 0.00002; TOPMed 0.00002; ESP Exome Variant Server 0.00015.
gnomAD v4.1: 19 of 1,614,062 alleles (0.0012%); highest among the groups gnomAD compares: Middle Eastern, 0.016%; no homozygotes.

Submissions (6):

CeGaT Center for Human Genetics Tuebingen
Classification: Likely benign. Last evaluated: 2025-07-01. Review status: criteria provided, single submitter. Criteria: CeGaT Center For Human Genetics Tuebingen Variant Classification Criteria Version 2. Collection method: clinical testing. Allele origin: germline. Affected: yes. Observed: 2 variant alleles.
Comment: FANCA: BP4, BP7

Labcorp Genetics (formerly Invitae), Labcorp
Classification: Likely benign for Fanconi anemia. Last evaluated: 2024-12-25. Review status: criteria provided, single submitter. Criteria: Invitae Variant Classification Sherloc (09022015). Collection method: clinical testing. Allele origin: germline.

Ambry Genetics
Classification: Likely benign for Inborn genetic diseases. Last evaluated: 2024-11-25. Review status: criteria provided, single submitter. Criteria: Ambry Variant Classification Scheme 2023. Collection method: clinical testing. Allele origin: germline.

Blueprint Genetics
Classification: Likely benign. Last evaluated: 2024-05-02. Review status: criteria provided, single submitter. Criteria: ACMG Guidelines, 2015. Collection method: clinical testing. Allele origin: germline.

Quest Diagnostics Nichols Institute San Juan Capistrano
Classification: Likely benign. Last evaluated: 2023-05-30. Review status: criteria provided, single submitter. Criteria: Quest Diagnostics criteria. Collection method: clinical testing. Allele origin: unknown.

Natera, Inc.
Classification: Likely benign for Fanconi anemia, group A. Last evaluated: 2020-10-23. Review status: no assertion criteria provided. Collection method: clinical testing. Allele origin: germline. Not counted in ClinVar's aggregate classification.